The following is an entry in ClinVar:

NM_000051.4(ATM):c.6199-16_6199-15del

Genes: ATM (ATM serine/threonine kinase; plus strand), C11orf65 (chromosome 11 open reading frame 65; minus strand). Cytogenetic location: 11q22.3.
Variant type: Deletion.
Coding change: c.6199-16_6199-15del on transcript NM_000051.4 (MANE Select); 16 bases into the intron before coding-DNA position 6199 through 15 bases into the intron before coding-DNA position 6199, 2 bases deleted (AA; older notation c.6199-16_6199-15delAA).
Molecular consequence: intron variant.
Genome position (GRCh38, 1-based): chr11:108,317,357-108,317,358, AA deleted; deleting any 2 consecutive bases within chr11:108,317,355-108,317,358 gives the same sequence; the c. name uses the placement nearest the transcript's 3' end. VCF-style (leftmost placement, unchanged base first): chr11-108317354-CAA-C. GRCh37 (hg19) VCF-style: chr11-108188081-CAA-C.
Other names: c.6199-16_6199-15del (NM_001351834.2); c.641-8285_641-8284del (NM_001330368.2); c.*39-8285_*39-8284del (NM_001351110.2).
Identifiers: ClinVar variation 3254352 (VCV003254352.1), dbSNP rs2547112573.
Genomic context (GRCh38, chr11:108,317,354, plus strand): 5'-TATCTTTGCTGTTTTTTTCTCTGGTTTTCTGTTGATATCTTTGATTACTTAACTTAAAAA[CAA>C]AATAACTCCTGTTTAGGCCTTGCAGAATTTGGGACTCTGCCATATTCTTTCCGTCTATTT-3'

ClinVar aggregate classification (germline): Likely benign (1 of 4 stars; one submission).

Conditions:
Familial cancer of breast. Also called: hereditary breast carcinoma; BREAST CANCER, FAMILIAL; Hereditary breast cancer. Identifiers: Orphanet 227535, MedGen C0346153, MONDO:0016419, OMIM 114480. Disease mechanism: loss of function.

Submission:

Myriad Genetics, Inc.
Classification: Likely benign for Familial cancer of breast. Last evaluated: 2024-06-03. Review status: criteria provided, single submitter. Criteria: Myriad Autosomal Dominant, Autosomal Recessive and X-Linked Classification Criteria (2023). Collection method: clinical testing. Allele origin: unknown.
Comment: This variant is considered likely benign. This variant is intronic and is not expected to impact mRNA splicing.